The following is an entry in ClinVar:

ClinVar aggregate classification (germline): Uncertain significance. Review status: criteria provided, multiple submitters, no conflicts (2 of 4 stars). 2 submissions from 2 submitters: Uncertain significance (2). Last evaluated 2024-07-08.

Submissions (2):

Blueprint Genetics
Classification: Uncertain significance. Last evaluated: 2024-07-08. Review status: criteria provided, single submitter. Criteria: ACMG Guidelines, 2015. Collection method: clinical testing. Allele origin: germline.

Laboratorio de Genetica e Diagnostico Molecular, Hospital Israelita Albert Einstein
Classification: Uncertain significance. Last evaluated: 2021-06-02. Review status: criteria provided, single submitter. Criteria: ACMG Guidelines, 2015. Collection method: clinical testing. Allele origin: germline. Affected: yes.
Comment: ACMG classification criteria: PM2, PP2

NM_000937.5(POLR2A):c.85G>C (p.Asp29His)

Gene: POLR2A (RNA polymerase II subunit A; plus strand). Cytogenetic location: 17p13.1.
Variant type: single nucleotide variant.
Coding change: c.85G>C on transcript NM_000937.5 (MANE Select); coding-DNA position 85, G replaced by C.
Protein change: p.Asp29His; replaces aspartic acid 29 with histidine.
Molecular consequence: missense variant.
Genome position (GRCh38, 1-based): chr17:7,484,849, G>C. VCF-style: chr17-7484849-G-C. GRCh37 (hg19) VCF-style: chr17-7388168-G-C.
Other names: short protein forms D29H.
Identifiers: ClinVar variation 1690397 (VCV001690397.3), dbSNP rs2150872936, ClinGen allele CA397849435.